The following is an entry in ClinVar:

ClinVar aggregate classification (germline): Uncertain significance (1 of 4 stars; one submission).

Conditions:
Hereditary cancer-predisposing syndrome. Also called: Neoplastic Syndromes, Hereditary; Tumor predisposition; Hereditary neoplastic syndrome; Hereditary Cancer Syndrome. Identifiers: Orphanet 140162, MedGen C0027672, MeSH D009386, MONDO:0015356.

Submission:

Ambry Genetics
Classification: Uncertain significance for Hereditary cancer-predisposing syndrome. Last evaluated: 2023-11-30. Review status: criteria provided, single submitter. Criteria: Ambry Variant Classification Scheme 2023. Collection method: clinical testing. Allele origin: germline.
Comment: The p.S2771N variant (also known as c.8312G>A), located in coding exon 15 of the APC gene, results from a G to A substitution at nucleotide position 8312. The serine at codon 2771 is replaced by asparagine, an amino acid with highly similar properties. This amino acid position is conserved. In addition, in silico predictors for this gene do not accurately predict pathogenicity. Since supporting evidence is limited at this time, the clinical significance of this alteration remains unclear.

NM_000038.6(APC):c.8312G>A (p.Ser2771Asn)

Gene: APC (APC regulator of Wnt signaling pathway; plus strand). Cytogenetic location: 5q22.2.
Variant type: single nucleotide variant.
Coding change: c.8312G>A on transcript NM_000038.6 (MANE Select); coding-DNA position 8312, G replaced by A.
Protein change: p.Ser2771Asn; replaces serine 2771 with asparagine.
Molecular consequence: missense variant. On other transcripts: non-coding transcript variant (2).
Genome position (GRCh38, 1-based): chr5:112,843,906, G>A. VCF-style: chr5-112843906-G-A. GRCh37 (hg19) VCF-style: chr5-112179603-G-A.
Other names: c.8312G>A, p.Ser2771Asn (NM_001127510.3, NM_001354895.2, NM_001407450.1); c.8258G>A, p.Ser2753Asn (NM_001127511.3); c.8366G>A, p.Ser2789Asn (NM_001354896.2, NM_001407447.1, NM_001407448.1 and 1 more transcripts); c.8342G>A, p.Ser2781Asn (NM_001354897.2); c.8237G>A, p.Ser2746Asn (NM_001354898.2); c.8228G>A, p.Ser2743Asn (NM_001354899.2); c.8189G>A, p.Ser2730Asn (NM_001354900.2); c.8135G>A, p.Ser2712Asn (NM_001354901.2, NM_001407453.1); and 11 more; short protein forms S2387N, S2488N, S2611N, S2642N, S2645N, S2670N, S2680N, S2688N.
Identifiers: ClinVar variation 3231773 (VCV003231773.1), dbSNP rs1554089060, ClinGen allele CA16039369.